The following is an entry in ClinVar:

ClinVar aggregate classification (germline): Uncertain significance. Review status: criteria provided, multiple submitters, no conflicts (2 of 4 stars). 2 submissions from 2 submitters: Uncertain significance (2). Last evaluated 2025-02-09.

Conditions:
Inborn genetic diseases. Identifiers: MedGen C0950123, MeSH D030342.

Allele frequency attached by ClinVar (database versions not stated): gnomAD exomes below 0.00001; ExAC 0.00001.
gnomAD v4.1: 1 of 1,613,870 alleles (0.000062%); highest among the groups gnomAD compares: Non-Finnish European, 0.000085%; no homozygotes.

Submissions (2):

Ambry Genetics
Classification: Uncertain significance for Inborn genetic diseases. Last evaluated: 2025-02-09. Review status: criteria provided, single submitter. Criteria: Ambry Variant Classification Scheme 2023. Collection method: clinical testing. Allele origin: germline.
Comment: The p.Y295H variant (also known as c.883T>C), located in coding exon 4 of the WT1 gene, results from a T to C substitution at nucleotide position 883. The tyrosine at codon 295 is replaced by histidine, an amino acid with similar properties. This amino acid position is conserved. In addition, the in silico prediction for this alteration is inconclusive. Based on the available evidence, the clinical significance of this variant remains unclear.

GeneDx
Classification: Uncertain significance. Last evaluated: 2023-04-18. Review status: criteria provided, single submitter. Criteria: GeneDx Variant Classification Process June 2021. Collection method: clinical testing. Allele origin: germline. Affected: yes.
Comment: Not observed at significant frequency in large population cohorts (gnomAD); In silico analysis supports that this missense variant has a deleterious effect on protein structure/function; Has not been previously published as pathogenic or benign to our knowledge

NM_024426.6(WT1):c.898T>C (p.Tyr300His)

Gene: WT1 (WT1 transcription factor; minus strand). Cytogenetic location: 11p13.
Variant type: single nucleotide variant.
Coding change: c.898T>C on transcript NM_024426.6 (MANE Select); coding-DNA position 898, T replaced by C.
Protein change: p.Tyr300His; replaces tyrosine 300 with histidine.
Molecular consequence: missense variant. On other transcripts: non-coding transcript variant (2).
Genome position (GRCh38, 1-based): chr11:32,417,644, A>G on the plus strand (T>C on the coding strand, the complement: WT1 is on the minus strand). VCF-style: chr11-32417644-A-G. GRCh37 (hg19) VCF-style: chr11-32439190-A-G.
Other names: c.898T>C, p.Tyr300His (NM_000378.6, NM_001407044.1, NM_001407045.1 and 4 more transcripts); c.247T>C, p.Tyr83His (NM_001198551.2, NM_001198552.2); c.775T>C, p.Tyr259His (NM_001407047.1, NM_001407050.1); c.136T>C, p.Tyr46His (NM_001407051.1); c.883T>C, p.Tyr295His (NM_024425.2); short protein forms Y259H, Y295H, Y300H, Y46H, Y83H.
Identifiers: ClinVar variation 2662183 (VCV002662183.2), dbSNP rs758624956, ClinGen allele CA065855.